The following is an entry in ClinVar:

ClinVar aggregate classification (germline): Likely benign. Review status: criteria provided, single submitter (1 of 4 stars). 2 submissions from 2 submitters: Likely benign (1). 1 of the submissions does not count toward it. Last evaluated 2024-11-26.

Allele frequency attached by ClinVar (database versions not stated): ExAC 0.00043; gnomAD exomes 0.00756 and 0.00876; gnomAD 0.01758 and 0.01820.
gnomAD v4.1: 13,058 of 1,525,590 alleles (0.86%); highest among the groups gnomAD compares: East Asian, 6.2%; 31 homozygotes.

Submissions (2):

Blueprint Genetics
Classification: Likely benign. Last evaluated: 2024-11-26. Review status: criteria provided, single submitter. Criteria: ACMG Guidelines, 2015. Collection method: clinical testing. Allele origin: germline.

Genetic Services Laboratory, University of Chicago
Classification: Likely benign for AllHighlyPenetrant. Review status: no assertion criteria provided. Collection method: clinical testing. Allele origin: germline. Inheritance: Autosomal dominant inheritance. Not counted in ClinVar's aggregate classification.
Comment: Likely benign based on allele frequency in 1000 Genomes Project or ESP global frequency and its presence in a patient with a rare or unrelated disease phenotype. NOT Sanger confirmed.

NM_001128164.2(ATXN1):c.645G>T (p.Gln215His)

Genes: ATXN1 (ataxin 1; minus strand), LOC108663993 (ataxin 1 repeat instability region; plus strand). Cytogenetic location: 6p22.3.
Variant type: single nucleotide variant.
Coding change: c.645G>T on transcript NM_001128164.2 (MANE Select); coding-DNA position 645, G replaced by T.
Protein change: p.Gln215His; replaces glutamine 215 with histidine.
Molecular consequence: missense variant. On other transcripts: 3 prime UTR variant (1).
Genome position (GRCh38, 1-based): chr6:16,327,666, C>A on the plus strand (G>T on the coding strand, the complement: ATXN1 is on the minus strand). VCF-style: chr6-16327666-C-A. GRCh37 (hg19) VCF-style: chr6-16327897-C-A.
Other names: c.645G>T, p.Gln215His (NM_000332.4); c.*58G>T (NM_001357857.2); short protein forms Q215H.
Identifiers: ClinVar variation 128503 (VCV000128503.8), dbSNP rs184327938, ClinGen allele CA151990.
Genomic context (GRCh38, chr6:16,327,666, plus strand): 5'-GGTGATGAGCCCCGGAGCCCTGCTGAGGTGCTGCTGCTGCTGCTGCTGCTGCTGCTGCTG[C>A]TGCTGCTGCTGATGCTGATGCTGCTGCTGCTGCTGCTGCTGCTGCTGCTGCTGCTGCTCA-3'
Protein context (NP_001121636.1, residues 205-225): QQQQHQHQQQ[Gln215His]QQQQQQQQQQ